The following is an entry in ClinVar:

ClinVar aggregate classification (germline): Uncertain significance. Review status: criteria provided, multiple submitters, no conflicts (2 of 4 stars). 2 submissions from 2 submitters: Uncertain significance (2). Last evaluated 2025-11-08.

Conditions:
Hereditary cancer-predisposing syndrome. Also called: Neoplastic Syndromes, Hereditary; Hereditary neoplastic syndrome; Tumor predisposition; Hereditary Cancer Syndrome. Identifiers: Orphanet 140162, MedGen C0027672, MeSH D009386, MONDO:0015356.
Cardiovascular phenotype. Identifiers: MedGen CN230736.

Allele frequency attached by ClinVar (database versions not stated): gnomAD exomes below 0.00001.

Submissions (2):

Ambry Genetics
Classification: Uncertain significance for Cardiovascular phenotype; Hereditary cancer-predisposing syndrome. Last evaluated: 2025-11-08. Review status: criteria provided, single submitter. Criteria: Ambry Variant Classification Scheme 2023. Collection method: clinical testing. Allele origin: germline.
Comment: The p.V235M variant (also known as c.703G>A), located in coding exon 8 of the LZTR1 gene, results from a G to A substitution at nucleotide position 703. The valine at codon 235 is replaced by methionine, an amino acid with highly similar properties. This amino acid position is conserved. In addition, the in silico prediction for this alteration is inconclusive. Based on the available evidence, the clinical significance of this variant remains unclear.

Labcorp Genetics (formerly Invitae), Labcorp
Classification: Uncertain significance. Last evaluated: 2024-01-09. Review status: criteria provided, single submitter. Criteria: Invitae Variant Classification Sherloc (09022015). Collection method: clinical testing. Allele origin: germline.
Comment: This sequence change replaces valine, which is neutral and non-polar, with methionine, which is neutral and non-polar, at codon 235 of the LZTR1 protein (p.Val235Met). This variant is present in population databases (no rsID available, gnomAD 0.003%). This variant has not been reported in the literature in individuals affected with LZTR1-related conditions. Advanced modeling of protein sequence and biophysical properties (such as structural, functional, and spatial information, amino acid conservation, physicochemical variation, residue mobility, and thermodynamic stability) performed at Invitae indicates that this missense variant is not expected to disrupt LZTR1 protein function with a negative predictive value of 80%. In summary, the available evidence is currently insufficient to determine the role of this variant in disease. Therefore, it has been classified as a Variant of Uncertain Significance.

NM_006767.4(LZTR1):c.703G>A (p.Val235Met)

Gene: LZTR1 (leucine zipper like post translational regulator 1; plus strand). Cytogenetic location: 22q11.21.
Variant type: single nucleotide variant.
Coding change: c.703G>A on transcript NM_006767.4 (MANE Select); coding-DNA position 703, G replaced by A.
Protein change: p.Val235Met; replaces valine 235 with methionine.
Molecular consequence: missense variant.
Genome position (GRCh38, 1-based): chr22:20,990,437, G>A. VCF-style: chr22-20990437-G-A. GRCh37 (hg19) VCF-style: chr22-21344726-G-A.
Other names: c.703G>A (NM_006767.3); short protein forms V235M.
Identifiers: ClinVar variation 2826620 (VCV002826620.4), dbSNP rs1271199870, ClinGen allele CA410780516.